The following is an entry in ClinVar:

NM_001854.4(COL11A1):c.502G>A (p.Ala168Thr)

Gene: COL11A1 (collagen type XI alpha 1 chain; minus strand). Cytogenetic location: 1p21.1.
Variant type: single nucleotide variant.
Coding change: c.502G>A on transcript NM_001854.4 (MANE Select); coding-DNA position 502, G replaced by A.
Protein change: p.Ala168Thr; replaces alanine 168 with threonine.
Molecular consequence: missense variant. On other transcripts: non-coding transcript variant (1).
Genome position (GRCh38, 1-based): chr1:103,074,767, C>T on the plus strand (G>A on the coding strand, the complement: COL11A1 is on the minus strand). VCF-style: chr1-103074767-C-T. GRCh37 (hg19) VCF-style: chr1-103540323-C-T.
Other names: c.502G>A, p.Ala168Thr (NM_001190709.2, NM_080629.3, NM_080630.4); short protein forms A168T.
Identifiers: ClinVar variation 1303227 (VCV001303227.4), dbSNP rs150144437, ClinGen allele CA975422.

ClinVar aggregate classification (germline): Uncertain significance. Review status: criteria provided, multiple submitters, no conflicts (2 of 4 stars). 3 submissions from 3 submitters: Uncertain significance (3). Last evaluated 2024-12-16.

Conditions:
Inborn genetic diseases. Identifiers: MedGen C0950123, MeSH D030342.

Allele frequency attached by ClinVar (database versions not stated): gnomAD exomes below 0.00001 and 0.00001; gnomAD 0.00001; TOPMed 0.00001; ExAC 0.00002; ESP Exome Variant Server 0.00008; 1000 Genomes Project 0.00020; 1000 Genomes Project 30x 0.00031.

Submissions (3):

Ambry Genetics
Classification: Uncertain significance for Inborn genetic diseases. Last evaluated: 2024-12-16. Review status: criteria provided, single submitter. Criteria: Ambry Variant Classification Scheme 2023. Collection method: clinical testing. Allele origin: germline.

GeneDx
Classification: Uncertain significance. Last evaluated: 2019-07-12. Review status: criteria provided, single submitter. Criteria: GeneDx Variant Classification Process June 2021. Collection method: clinical testing. Allele origin: germline. Affected: yes.
Comment: Has not been previously published as pathogenic or benign to our knowledge; Not observed at a significant frequency in large population cohorts (Lek et al., 2016); In silico analysis, which includes protein predictors and evolutionary conservation, supports a deleterious effect; Not located in the triple helical region, where the majority of pathogenic missense variants occur (Acke et al., 2014; Stenson et al., 2014)

Blueprint Genetics
Classification: Uncertain significance. Last evaluated: 2018-12-31. Review status: criteria provided, single submitter. Criteria: ACMG Guidelines, 2015. Collection method: clinical testing. Allele origin: germline.